The following is an entry in ClinVar:

ClinVar aggregate classification (germline): Likely pathogenic (1 of 4 stars; one submission).

gnomAD v4.1: 1 of 1,609,276 alleles (0.000062%); highest among the groups gnomAD compares: Non-Finnish European, 0.000085%; no homozygotes.

Submission:

Mayo Clinic Laboratories, Mayo Clinic
Classification: Likely pathogenic. Last evaluated: 2023-12-18. Review status: criteria provided, single submitter. Criteria: ACMG Guidelines, 2015. Collection method: clinical testing. Allele origin: germline. Observed: 1 variant allele.
Comment: PM2_moderate, PVS1

NM_000342.4(SLC4A1):c.2058-1G>A

Gene: SLC4A1 (solute carrier family 4 member 1 (Diego blood group); minus strand). Cytogenetic location: 17q21.31.
Variant type: single nucleotide variant.
Coding change: c.2058-1G>A on transcript NM_000342.4 (MANE Select); the canonical splice acceptor site of the intron before coding-DNA position 2058, G replaced by A.
Molecular consequence: splice acceptor variant.
Genome position (GRCh38, 1-based): chr17:44,253,372, C>T on the plus strand (G>A on the coding strand, the complement: SLC4A1 is on the minus strand). VCF-style: chr17-44253372-C-T. GRCh37 (hg19) VCF-style: chr17-42330740-C-T.
Other names: p.?.
Identifiers: ClinVar variation 3381162 (VCV003381162.1).